The following is an entry in ClinVar:

NM_002880.4(RAF1):c.1888C>T (p.His630Tyr)

Gene: RAF1 (Raf-1 proto-oncogene, serine/threonine kinase; minus strand). Cytogenetic location: 3p25.2.
Variant type: single nucleotide variant.
Coding change: c.1888C>T on transcript NM_002880.4 (MANE Select); coding-DNA position 1888, C replaced by T.
Protein change: p.His630Tyr; replaces histidine 630 with tyrosine.
Molecular consequence: missense variant. On other transcripts: non-coding transcript variant (3).
Genome position (GRCh38, 1-based): chr3:12,584,573, G>A on the plus strand (C>T on the coding strand, the complement: RAF1 is on the minus strand). VCF-style: chr3-12584573-G-A. GRCh37 (hg19) VCF-style: chr3-12626072-G-A.
Other names: c.1948C>T, p.His650Tyr (NM_001354689.3); c.1888C>T, p.His630Tyr (NM_001354690.3); c.1645C>T, p.His549Tyr (NM_001354691.3, NM_001354692.3); c.1789C>T, p.His597Tyr (NM_001354693.3); c.1705C>T, p.His569Tyr (NM_001354694.3); c.1546C>T, p.His516Tyr (NM_001354695.3); short protein forms H569Y, H549Y, H630Y, H650Y, H516Y, H597Y.
Identifiers: ClinVar variation 3635589 (VCV003635589.2).
Genomic context (GRCh38, chr3:12,584,573, plus strand): 5'-ACTAGAAGACAGGCAGCCTCGGGGACGTGGTCAGCGTGCAAGCATTGATATCCTCAGTGT[G>A]GGCTGCCCGATGCAAGGATGGCTCGGAAGCGCTCCGGTTGATCTTCGGTAGAGAGTGTTG-3'
Protein context (NP_002871.1, residues 620-640): ASEPSLHRAA[His630Tyr]TEDINACTLT

ClinVar aggregate classification (germline): Uncertain significance (1 of 4 stars; one submission).

Conditions:
RASopathy. Also called: Noonan spectrum disorder; rasopathies. Identifiers: Orphanet 536391, MedGen C5555857, MONDO:0021060.

gnomAD v4.1: 1 of 1,614,178 alleles (0.000062%); highest among the groups gnomAD compares: Non-Finnish European, 0.000085%; no homozygotes.

Submission:

Labcorp Genetics (formerly Invitae), Labcorp
Classification: Uncertain significance for RASopathy. Last evaluated: 2024-03-18. Review status: criteria provided, single submitter. Criteria: Invitae Variant Classification Sherloc (09022015). Collection method: clinical testing. Allele origin: germline.
Comment: This sequence change replaces histidine, which is basic and polar, with tyrosine, which is neutral and polar, at codon 630 of the RAF1 protein (p.His630Tyr). This variant is not present in population databases (gnomAD no frequency). This variant has not been reported in the literature in individuals affected with RAF1-related conditions. Advanced modeling of protein sequence and biophysical properties (such as structural, functional, and spatial information, amino acid conservation, physicochemical variation, residue mobility, and thermodynamic stability) has been performed at Invitae for this missense variant, however the output from this modeling did not meet the statistical confidence thresholds required to predict the impact of this variant on RAF1 protein function. In summary, the available evidence is currently insufficient to determine the role of this variant in disease. Therefore, it has been classified as a Variant of Uncertain Significance.